The following is an entry in ClinVar:

ClinVar aggregate classification (germline): Likely benign. Review status: criteria provided, single submitter (1 of 4 stars). 3 submissions from 3 submitters: Likely benign (1). 2 of the submissions do not count toward it. Last evaluated 2024-10-10.

Conditions:
Polycystic kidney disease. Also called: Kidney, Polycystic; Polycystic kidney dysplasia. Identifiers: MedGen C0022680, MeSH D007690, MONDO:0020642, HP:0000113.
PKD1-related disorder. Also called: PKD1-related condition.

Allele frequency attached by ClinVar (database versions not stated): gnomAD exomes 0.00019; 1000 Genomes Project 0.00060; gnomAD 0.00007 and 0.00011; TOPMed 0.00008; ExAC 0.00016; 1000 Genomes Project 30x 0.00062.
gnomAD v4.1: 106 of 1,602,718 alleles (0.0066%); highest among the groups gnomAD compares: East Asian, 0.19%; 1 homozygote.

Submissions (3):

Blueprint Genetics
Classification: Likely benign. Last evaluated: 2024-10-10. Review status: criteria provided, single submitter. Criteria: ACMG Guidelines, 2015. Collection method: clinical testing. Allele origin: germline.

PreventionGenetics, part of Exact Sciences
Classification: Likely benign for PKD1-related condition. Last evaluated: 2019-02-22. Review status: no assertion criteria provided. Collection method: clinical testing. Allele origin: germline. Not counted in ClinVar's aggregate classification.
Comment: This variant is classified as likely benign based on ACMG/AMP sequence variant interpretation guidelines (Richards et al. 2015 PMID: 25741868, with internal and published modifications).

Department of Pathology and Laboratory Medicine, Sinai Health System
Classification: Uncertain significance for Polycystic Kidney disease. Review status: no assertion criteria provided. Collection method: clinical testing. Allele origin: unknown. Affected: yes. Study: The Canadian Open Genetics Repository (COGR). Not counted in ClinVar's aggregate classification.
Comment: The PKD1 p.Ile3367= variant was not identified in the literature nor was it identified in the following databases: ClinVar, COGR, LOVD 3.0, ADPKD Mutation Database, and PKD1-LOVD. The variant was identified in dbSNP (ID: rs535964972) as â€šÃ„ÃºNAâ€šÃ„Ã¹ and in control databases in 40 of 248398 chromosomes at a frequency of 0.0002 increasing the likelihood this could be a low frequency variant (Genome Aggregation Database Feb 27, 2017). It was observed in the following populations: Latino in 1 of 31758 chromosomes (freq: 0.000031), East Asian in 37 of 17234 chromosomes (freq: 0.002), European Finnish in 1 of 23314 chromosomes (freq: 0.00004), and South Asian in 1 of 29102 chromosomes (freq: 0.00003); it was not observed in the African, Other, European Non-Finnish, and Ashkenazi Jewish populations. The p.Ile3367= variant is not expected to have clinical significance because it does not result in a change of amino acid and is not located in a known consensus splice site. In addition, in silico or computational prediction software programs (SpliceSiteFinder, MaxEntScan, NNSPLICE, GeneSplicer, HumanSpliceFinder) do not predict a difference in splicing. In summary, based on the above information the clinical significance of this variant cannot be determined with certainty at this time. This variant is classified as a variant of uncertain significance.

NM_001009944.3(PKD1):c.10101C>T (p.Ile3367=)

Gene: PKD1 (polycystin 1, transient receptor potential channel interacting; minus strand). Cytogenetic location: 16p13.3.
Variant type: single nucleotide variant.
Coding change: c.10101C>T on transcript NM_001009944.3 (MANE Select); coding-DNA position 10101, C replaced by T.
Protein change: p.Ile3367=; no amino-acid change (isoleucine 3367 retained).
Molecular consequence: synonymous variant.
Genome position (GRCh38, 1-based): chr16:2,097,934, G>A on the plus strand (C>T on the coding strand, the complement: PKD1 is on the minus strand). VCF-style: chr16-2097934-G-A. GRCh37 (hg19) VCF-style: chr16-2147935-G-A.
Other names: c.10101C>T (NM_001009944.2); c.10101C>T, p.Ile3367= (NM_000296.4).
Identifiers: ClinVar variation 997364 (VCV000997364.4), dbSNP rs535964972, ClinGen allele CA7829810.